The following is an entry in ClinVar:

NM_005228.5(EGFR):c.59C>A (p.Pro20Gln)

Gene: EGFR (epidermal growth factor receptor; plus strand). Cytogenetic location: 7p11.2.
Variant type: single nucleotide variant.
Coding change: c.59C>A on transcript NM_005228.5 (MANE Select); coding-DNA position 59, C replaced by A.
Protein change: p.Pro20Gln; replaces proline 20 with glutamine.
Molecular consequence: missense variant.
Genome position (GRCh38, 1-based): chr7:55,019,336, C>A. VCF-style: chr7-55019336-C-A. GRCh37 (hg19) VCF-style: chr7-55087029-C-A.
Other names: c.59C>A, p.Pro20Gln (NM_001346897.2, NM_001346898.2, NM_001346899.2 and 4 more transcripts); short protein forms P20Q.
Identifiers: ClinVar variation 802312 (VCV000802312.12), dbSNP rs1028735720, ClinGen allele CA159566183.
Genomic context (GRCh38, chr7:55,019,336, plus strand): 5'-CGATGCGACCCTCCGGGACGGCCGGGGCAGCGCTCCTGGCGCTGCTGGCTGCGCTCTGCC[C>A]GGCGAGTCGGGCTCTGGAGGAAAAGAAAGGTAAGGGCGTGTCTCGCCGGCTCCCGCGCCG-3'
Protein context (NP_005219.2, residues 10-30): ALLALLAALC[Pro20Gln]ASRALEEKKV

ClinVar aggregate classification (germline): Conflicting classifications of pathogenicity. Review status: criteria provided, conflicting classifications (1 of 4 stars). 3 submissions from 3 submitters: Uncertain significance (2); Likely benign (1). Last evaluated 2025-01-07.

Conditions:
Lung carcinoma. Identifiers: MedGen C0684249, MONDO:0005138.
Hereditary cancer-predisposing syndrome. Also called: Tumor predisposition; Neoplastic Syndromes, Hereditary; Hereditary Cancer Syndrome; Hereditary neoplastic syndrome. Identifiers: Orphanet 140162, MedGen C0027672, MeSH D009386, MONDO:0015356.
EGFR-related lung cancer (EGFR). Identifiers: MedGen CN130014.

Allele frequency attached by ClinVar (database versions not stated): gnomAD 0.00001; TOPMed 0.00001.
gnomAD v4.1: 4 of 1,518,622 alleles (0.00026%); highest among the groups gnomAD compares: East Asian, 0.0055%; no homozygotes.

Submissions (3):

Ambry Genetics
Classification: Likely benign for Hereditary cancer-predisposing syndrome. Last evaluated: 2025-01-07. Review status: criteria provided, single submitter. Criteria: Ambry Variant Classification Scheme 2023. Collection method: clinical testing. Allele origin: germline.

Labcorp Genetics (formerly Invitae), Labcorp
Classification: Uncertain significance for EGFR-related lung cancer. Last evaluated: 2024-04-29. Review status: criteria provided, single submitter. Criteria: Invitae Variant Classification Sherloc (09022015). Collection method: clinical testing. Allele origin: germline.
Comment: This sequence change replaces proline, which is neutral and non-polar, with glutamine, which is neutral and polar, at codon 20 of the EGFR protein (p.Pro20Gln). This variant is not present in population databases (gnomAD no frequency). This variant has not been reported in the literature in individuals affected with EGFR-related conditions. ClinVar contains an entry for this variant (Variation ID: 802312). Algorithms developed to predict the effect of missense changes on protein structure and function output the following: SIFT: "Not Available"; PolyPhen-2: "Benign"; Align-GVGD: "Not Available". The glutamine amino acid residue is found in multiple mammalian species, which suggests that this missense change does not adversely affect protein function. In summary, the available evidence is currently insufficient to determine the role of this variant in disease. Therefore, it has been classified as a Variant of Uncertain Significance.

Mendelics
Classification: Uncertain significance for Lung cancer. Last evaluated: 2019-05-28. Review status: criteria provided, single submitter. Criteria: Mendelics Assertion Criteria 2017. Collection method: clinical testing. Allele origin: unknown.